The following is an entry in ClinVar:

ClinVar aggregate classification (germline): Pathogenic (1 of 4 stars; one submission).

Conditions:
Hereditary cancer-predisposing syndrome. Also called: Neoplastic Syndromes, Hereditary; Hereditary Cancer Syndrome; Tumor predisposition; Hereditary neoplastic syndrome. Identifiers: Orphanet 140162, MedGen C0027672, MeSH D009386, MONDO:0015356.

Submission:

Color Diagnostics, LLC DBA Color Health
Classification: Pathogenic for Hereditary cancer-predisposing syndrome. Last evaluated: 2020-01-15. Review status: criteria provided, single submitter. Criteria: ACMG Guidelines, 2015. Collection method: clinical testing. Allele origin: germline.
Comment: This variant changes 1 nucleotide in exon 2 of the BARD1 gene, creating a premature translation stop signal. This variant is expected to result in an absent or non-functional protein product. This variant has not been identified in the general population by the Genome Aggregation Database (gnomAD). Loss of BARD1 function is a known mechanism of disease. Based on the available evidence, this variant is classified as Pathogenic.

NM_000465.4(BARD1):c.190G>T (p.Gly64Ter)

Gene: BARD1 (BRCA1 associated RING domain 1; minus strand). Cytogenetic location: 2q35.
Variant type: single nucleotide variant.
Coding change: c.190G>T on transcript NM_000465.4 (MANE Select); coding-DNA position 190, G replaced by T.
Protein change: p.Gly64Ter; replaces glycine 64 with a stop codon.
Molecular consequence: nonsense. On other transcripts: non-coding transcript variant (2), intron variant (2).
Genome position (GRCh38, 1-based): chr2:214,797,086, C>A on the plus strand (G>T on the coding strand, the complement: BARD1 is on the minus strand). VCF-style: chr2-214797086-C-A. GRCh37 (hg19) VCF-style: chr2-215661810-C-A.
Other names: c.190G>T, p.Gly64Ter (NM_001282545.2, NM_001282549.2); c.158+12326G>T (NM_001282548.2); c.159-4641G>T (NM_001282543.2); short protein forms G64*.
Identifiers: ClinVar variation 928054 (VCV000928054.3), dbSNP rs1695792091, ClinGen allele CA350462229.